The following is an entry in ClinVar:

NM_198576.4(AGRN):c.1145A>G (p.Gln382Arg)

Gene: AGRN (agrin; plus strand). Cytogenetic location: 1p36.33.
Variant type: single nucleotide variant.
Coding change: c.1145A>G on transcript NM_198576.4 (MANE Select); coding-DNA position 1145, A replaced by G.
Protein change: p.Gln382Arg; replaces glutamine 382 with arginine.
Molecular consequence: missense variant.
Genome position (GRCh38, 1-based): chr1:1,041,670, A>G. VCF-style: chr1-1041670-A-G. GRCh37 (hg19) VCF-style: chr1-977050-A-G.
Other names: c.1145A>G, p.Gln382Arg (NM_001305275.2); c.830A>G, p.Gln277Arg (NM_001364727.2); short protein forms Q382R, Q277R.
Identifiers: ClinVar variation 474097 (VCV000474097.10), dbSNP rs1553174830, ClinGen allele CA337827342.

ClinVar aggregate classification (germline): Uncertain significance (1 of 4 stars; one submission).

Conditions:
Congenital myasthenic syndrome 8. Also called: MYASTHENIC SYNDROME, CONGENITAL, DUE TO AGRIN DEFICIENCY; Myasthenic syndrome, congenital, 8, with pre- and postsynaptic defects. Identifiers: Orphanet 590, MedGen C3808739, MONDO:0014052, OMIM 615120.

Allele frequency attached by ClinVar (database versions not stated): gnomAD exomes below 0.00001.
gnomAD v4.1: 1 of 1,610,738 alleles (0.000062%); highest among the groups gnomAD compares: Non-Finnish European, 0.000085%; no homozygotes.

Submission:

Labcorp Genetics (formerly Invitae), Labcorp
Classification: Uncertain significance for Congenital myasthenic syndrome 8. Last evaluated: 2022-06-27. Review status: criteria provided, single submitter. Criteria: Invitae Variant Classification Sherloc (09022015). Collection method: clinical testing. Allele origin: germline.
Comment: This variant is not present in population databases (gnomAD no frequency). This sequence change replaces glutamine, which is neutral and polar, with arginine, which is basic and polar, at codon 382 of the AGRN protein (p.Gln382Arg). This variant has not been reported in the literature in individuals affected with AGRN-related conditions. ClinVar contains an entry for this variant (Variation ID: 474097). Algorithms developed to predict the effect of missense changes on protein structure and function (SIFT, PolyPhen-2, Align-GVGD) all suggest that this variant is likely to be tolerated. In summary, the available evidence is currently insufficient to determine the role of this variant in disease. Therefore, it has been classified as a Variant of Uncertain Significance.